The following is an entry in ClinVar:

NM_003742.4(ABCB11):c.1809G>A (p.Lys603=)

Gene: ABCB11 (ATP binding cassette subfamily B member 11; minus strand). Cytogenetic location: 2q31.1.
Variant type: single nucleotide variant.
Coding change: c.1809G>A on transcript NM_003742.4 (MANE Select); coding-DNA position 1809, G replaced by A.
Protein change: p.Lys603=; no amino-acid change (lysine 603 retained).
Molecular consequence: synonymous variant.
Genome position (GRCh38, 1-based): chr2:168,970,045, C>T on the plus strand (G>A on the coding strand, the complement: ABCB11 is on the minus strand). VCF-style: chr2-168970045-C-T. GRCh37 (hg19) VCF-style: chr2-169826555-C-T.
Identifiers: ClinVar variation 2671685 (VCV002671685.4), dbSNP rs2545382640, ClinGen allele CA429914281.

ClinVar aggregate classification (germline): Conflicting classifications of pathogenicity. Review status: criteria provided, conflicting classifications (1 of 4 stars). 4 submissions from 4 submitters: Likely pathogenic (3); Uncertain significance (1). Last evaluated 2026-04-14.

Conditions:
Progressive familial intrahepatic cholestasis (PFIC). Also called: Progressive family intrahepatic cholestasis; Progressive intrahepatic cholestasis. Identifiers: Orphanet 172, MedGen C0268312, MONDO:0015762.
Familial intrahepatic cholestasis. Identifiers: Orphanet 284385, MedGen CN296401, MONDO:0017290.
Progressive familial intrahepatic cholestasis type 2. Identifiers: Orphanet 79304, MedGen C3489789, MONDO:0011156, OMIM 601847.

Submissions (4):

Genomenon, Inc
Classification: Likely pathogenic for Familial intrahepatic cholestasis. Last evaluated: 2026-04-14. Review status: criteria provided, single submitter. Criteria: Genomenon Sequence Variant Interpretation Standards - Updated. Collection method: curation. Allele origin: germline. Affected: yes.
Comment: ABCB11 c.1809G>A is a synonymous variant that retains Lysine at residue 603. This variant has been observed in at least one proband with an ABCB11-related disorder (PMID:29316097). It has been observed in trans with a pathogenic or likely pathogenic variant (PMID:29316097). At least one splicing study demonstrated that this variant results in aberrant splicing (PMID:29316097). It is absent or not present at a significant frequency in gnomAD. In conclusion, we classify ABCB11 p.Lys603= (c.1809G>A) as a likely pathogenic variant.

Natera, Inc.
Classification: Likely pathogenic for Progressive familial intrahepatic cholestasis type 2. Last evaluated: 2025-06-11. Review status: criteria provided, single submitter. Criteria: Natera Variant Classification Schema (03/2026). Collection method: clinical testing. Allele origin: germline.
Comment: The c.1809G>A variant in ABCB11 is a synonymous variant that does not alter the encoded amino acid at position 603 (p.K603=). This variant is rare in the general population with a frequency below the threshold expected for the associated phenotype(s). This variant has been observed in one or more individuals affected with the associated recessive disease, as either homozygous or compound heterozygous with a second variant (PMID: 29316097). Functional studies show that this variant may disrupt protein function (PMID: 29316097). Computational prediction algorithms indicate this variant is likely to affect gene or protein function. Given the available evidence, this variant is classified as Likely Pathogenic.

Women's Health and Genetics/Laboratory Corporation of America, LabCorp
Classification: Likely pathogenic for Progressive familial intrahepatic cholestasis. Last evaluated: 2025-05-19. Review status: criteria provided, single submitter. Criteria: LabCorp Variant Classification Summary - May 2015. Collection method: clinical testing. Allele origin: germline.
Comment: Variant summary: ABCB11 c.1809G>A (p.Lys603Lys) alters a conserved nucleotide located close to a canonical splice site and therefore could affect mRNA splicing, leading to a significantly altered protein sequence. Several computational tools predict a significant impact on normal splicing: Three predict the variant abolishes a canonical 5' splicing donor site and one predicts the variant weakens this site. At least one publication reports experimental evidence that this variant affects mRNA splicing, resulting in exon skipping (Wang_2018). The variant was absent in 248474 control chromosomes (gnomAD). c.1809G>A has been observed in an individual affected with Familial Intrahepatic Cholestasis (Wang_2018). The following publication has been ascertained in the context of this evaluation (PMID: 29316097). ClinVar contains an entry for this variant (Variation ID: 2671685). Based on the evidence outlined above, the variant was classified as likely pathogenic.

Neuberg Centre For Genomic Medicine, NCGM
Classification: Uncertain significance for Progressive familial intrahepatic cholestasis type 2. Last evaluated: 2023-03-01. Review status: criteria provided, single submitter. Criteria: ACMG Guidelines, 2015. Collection method: clinical testing. Allele origin: germline. Inheritance: Autosomal recessive inheritance. Affected: yes.
Comment: The splice region variant, synonymous variant c.1809G>A(p.Lys603) in ABCB11 gene has been reported in compound heterozygous state in individual with progressive intrahepatic cholestasis with low γ-glutamyltransferase (Wang NL, et al., 2018). The variant is novel (not in any individuals) in gnomAD Exomes and 1000 Genomes. This p.Lys603 type of mutation causes no change in the protein that is produced, which is why it's considered as synonymous mutation. For these reasons, this variant has been classified as Uncertain Significance.

Literature cited by the submitters: PubMed 29316097 (cited by 3 submitters).